The following is an entry in ClinVar:

NC_000005.9:g.(?_89913601)_(90012566_?)del

Gene: ADGRV1 (adhesion G protein-coupled receptor V1; plus strand). Cytogenetic location: 5q14.3.
Variant type: Deletion.
Identifiers: ClinVar variation 3246546 (VCV003246546.1).

ClinVar aggregate classification (germline): Pathogenic (1 of 4 stars; one submission).

Submission:

Labcorp Genetics (formerly Invitae), Labcorp
Classification: Pathogenic. Last evaluated: 2023-11-19. Review status: criteria provided, single submitter. Criteria: Invitae Variant Classification Sherloc (09022015). Collection method: clinical testing. Allele origin: unknown.
Comment: This variant is a gross deletion of the genomic region encompassing exon(s) 3-43 of the ADGRV1 gene. This variant would be expected to be in-frame, preserving the integrity of the reading frame. This variant has not been reported in the literature in individuals affected with ADGRV1-related conditions. This variant disrupts a region of the ADGRV1 protein in which other variant(s) (p.Pro352Leu) have been determined to be pathogenic (PMID: 30303587; Invitae). This suggests that this is a clinically significant region of the protein, and that variants that disrupt it are likely to be disease-causing. For these reasons, this variant has been classified as Pathogenic.

Literature cited by the submitters: PubMed 30303587.